The following is an entry in ClinVar:

ClinVar aggregate classification (germline): Likely benign (1 of 4 stars; one submission).

Allele frequency attached by ClinVar (database versions not stated): gnomAD exomes 0.00058; gnomAD 0.00559 and 0.00591; TOPMed 0.00607; 1000 Genomes Project 30x 0.00921; 1000 Genomes Project 0.01018.
gnomAD v4.1: 1,709 of 1,547,512 alleles (0.11%); highest among the groups gnomAD compares: African/African-American, 2%; 19 homozygotes.

Submission:

GeneDx
Classification: Likely benign. Last evaluated: 2018-06-16. Review status: criteria provided, single submitter. Criteria: GeneDx Variant Classification (06012015). Collection method: clinical testing. Allele origin: germline. Affected: yes.
Comment: This variant is considered likely benign or benign based on one or more of the following criteria: it is a conservative change, it occurs at a poorly conserved position in the protein, it is predicted to be benign by multiple in silico algorithms, and/or has population frequency not consistent with disease.

NM_020745.4(AARS2):c.2364+55C>T

Gene: AARS2 (alanyl-tRNA synthetase 2, mitochondrial; minus strand). Cytogenetic location: 6p21.1.
Variant type: single nucleotide variant.
Coding change: c.2364+55C>T on transcript NM_020745.4 (MANE Select); 55 bases into the intron after coding-DNA position 2364, C replaced by T.
Molecular consequence: intron variant.
Genome position (GRCh38, 1-based): chr6:44,302,747, G>A on the plus strand (C>T on the coding strand, the complement: AARS2 is on the minus strand). VCF-style: chr6-44302747-G-A. GRCh37 (hg19) VCF-style: chr6-44270484-G-A.
Identifiers: ClinVar variation 675492 (VCV000675492.1), dbSNP rs114243629, ClinGen allele CA138385343.